The following is an entry in ClinVar:

NM_005687.5(FARSB):c.317A>G (p.Gln106Arg)

Gene: FARSB (phenylalanyl-tRNA synthetase subunit beta; minus strand). Cytogenetic location: 2q36.1.
Variant type: single nucleotide variant.
Coding change: c.317A>G on transcript NM_005687.5 (MANE Select); coding-DNA position 317, A replaced by G.
Protein change: p.Gln106Arg; replaces glutamine 106 with arginine.
Molecular consequence: missense variant. On other transcripts: non-coding transcript variant (1).
Genome position (GRCh38, 1-based): chr2:222,640,884, T>C on the plus strand (A>G on the coding strand, the complement: FARSB is on the minus strand). VCF-style: chr2-222640884-T-C. GRCh37 (hg19) VCF-style: chr2-223505603-T-C.
Other names: c.317A>G (NM_005687.3); short protein forms Q106R.
Identifiers: ClinVar variation 1367495 (VCV001367495.9), dbSNP rs2106236744, ClinGen allele CA350819164.

ClinVar aggregate classification (germline): Uncertain significance. Review status: criteria provided, multiple submitters, no conflicts (2 of 4 stars). 2 submissions from 2 submitters: Uncertain significance (2). Last evaluated 2022-07-26.

Conditions:
Inborn genetic diseases. Identifiers: MedGen C0950123, MeSH D030342.

Submissions (2):

Ambry Genetics
Classification: Uncertain significance for Inborn genetic diseases. Last evaluated: 2022-07-26. Review status: criteria provided, single submitter. Criteria: Ambry Variant Classification Scheme 2023. Collection method: clinical testing. Allele origin: germline.

Labcorp Genetics (formerly Invitae), Labcorp
Classification: Uncertain significance. Last evaluated: 2021-07-14. Review status: criteria provided, single submitter. Criteria: Invitae Variant Classification Sherloc (09022015). Collection method: clinical testing. Allele origin: germline.
Comment: This variant has not been reported in the literature in individuals affected with FARSB-related conditions. This variant is not present in population databases (ExAC no frequency). This sequence change replaces glutamine with arginine at codon 106 of the FARSB protein (p.Gln106Arg). The glutamine residue is highly conserved and there is a small physicochemical difference between glutamine and arginine. Algorithms developed to predict the effect of missense changes on protein structure and function (SIFT, PolyPhen-2, Align-GVGD) all suggest that this variant is likely to be tolerated. In summary, the available evidence is currently insufficient to determine the role of this variant in disease. Therefore, it has been classified as a Variant of Uncertain Significance.